The following is an entry in ClinVar:

ClinVar aggregate classification (germline): Uncertain significance (1 of 4 stars; one submission).

gnomAD v4.1: 2 of 1,463,406 alleles (0.00014%); highest among the groups gnomAD compares: Non-Finnish European, 0.00019%; no homozygotes.

Submission:

Labcorp Genetics (formerly Invitae), Labcorp
Classification: Uncertain significance. Last evaluated: 2022-10-05. Review status: criteria provided, single submitter. Criteria: Invitae Variant Classification Sherloc (09022015). Collection method: clinical testing. Allele origin: germline.
Comment: In summary, the available evidence is currently insufficient to determine the role of this variant in disease. Therefore, it has been classified as a Variant of Uncertain Significance. Variants that disrupt the consensus splice site are a relatively common cause of aberrant splicing (PMID: 17576681, 9536098). Algorithms developed to predict the effect of sequence changes on RNA splicing suggest that this variant may disrupt the consensus splice site. Algorithms developed to predict the effect of missense changes on protein structure and function are either unavailable or do not agree on the potential impact of this missense change (SIFT: "Tolerated"; PolyPhen-2: "Probably Damaging"; Align-GVGD: "Class C0"). This variant has not been reported in the literature in individuals affected with RMND1-related conditions. This variant is not present in population databases (gnomAD no frequency). This sequence change replaces glutamic acid, which is acidic and polar, with aspartic acid, which is acidic and polar, at codon 334 of the RMND1 protein (p.Glu334Asp). This variant also falls at the last nucleotide of exon 8, which is part of the consensus splice site for this exon.

Literature cited by the submitters: PubMed 17576681; PubMed 9536098.

NM_017909.4(RMND1):c.1002G>T (p.Glu334Asp)

Gene: RMND1 (required for meiotic nuclear division 1 homolog; minus strand). Cytogenetic location: 6q25.1.
Variant type: single nucleotide variant.
Coding change: c.1002G>T on transcript NM_017909.4 (MANE Select); coding-DNA position 1002, G replaced by T.
Protein change: p.Glu334Asp; replaces glutamic acid 334 with aspartic acid.
Molecular consequence: missense variant.
Genome position (GRCh38, 1-based): chr6:151,422,541, C>A on the plus strand (G>T on the coding strand, the complement: RMND1 is on the minus strand). VCF-style: chr6-151422541-C-A. GRCh37 (hg19) VCF-style: chr6-151743676-C-A.
Other names: c.492G>T, p.Glu164Asp (NM_001271937.2); short protein forms E334D, E164D.
Identifiers: ClinVar variation 2114265 (VCV002114265.4), dbSNP rs2485900098, ClinGen allele CA366060107.